The following is an entry in ClinVar:

ClinVar aggregate classification (germline): Uncertain significance. Review status: criteria provided, multiple submitters, no conflicts (2 of 4 stars). 2 submissions from 2 submitters: Uncertain significance (2). Last evaluated 2025-08-02.

Conditions:
Hereditary cancer-predisposing syndrome. Also called: Hereditary Cancer Syndrome; Tumor predisposition; Hereditary neoplastic syndrome; Neoplastic Syndromes, Hereditary. Identifiers: Orphanet 140162, MedGen C0027672, MeSH D009386, MONDO:0015356.

Submissions (2):

Ambry Genetics
Classification: Uncertain significance for Hereditary cancer-predisposing syndrome. Last evaluated: 2025-08-02. Review status: criteria provided, single submitter. Criteria: Ambry Variant Classification Scheme 2023. Collection method: clinical testing. Allele origin: germline.
Comment: The p.G749R variant (also known as c.2245G>C), located in coding exon 15 of the MSH3 gene, results from a G to C substitution at nucleotide position 2245. The glycine at codon 749 is replaced by arginine, an amino acid with dissimilar properties. This amino acid position is conserved. In addition, this alteration is predicted to be deleterious by in silico analysis. Since supporting evidence is limited at this time, the clinical significance of this alteration remains unclear.

Labcorp Genetics (formerly Invitae), Labcorp
Classification: Uncertain significance. Last evaluated: 2024-12-26. Review status: criteria provided, single submitter. Criteria: Invitae Variant Classification Sherloc (09022015). Collection method: clinical testing. Allele origin: germline.
Comment: This sequence change replaces glycine, which is neutral and non-polar, with arginine, which is basic and polar, at codon 749 of the MSH3 protein (p.Gly749Arg). This variant is not present in population databases (gnomAD no frequency). This variant has not been reported in the literature in individuals affected with MSH3-related conditions. ClinVar contains an entry for this variant (Variation ID: 645412). An algorithm developed to predict the effect of missense changes on protein structure and function (PolyPhen-2) suggests that this variant is likely to be disruptive. In summary, the available evidence is currently insufficient to determine the role of this variant in disease. Therefore, it has been classified as a Variant of Uncertain Significance.

NM_002439.5(MSH3):c.2245G>C (p.Gly749Arg)

Gene: MSH3 (mutS homolog 3; plus strand). Cytogenetic location: 5q14.1.
Variant type: single nucleotide variant.
Coding change: c.2245G>C on transcript NM_002439.5 (MANE Select); coding-DNA position 2245, G replaced by C.
Protein change: p.Gly749Arg; replaces glycine 749 with arginine.
Molecular consequence: missense variant.
Genome position (GRCh38, 1-based): chr5:80,768,995, G>C. VCF-style: chr5-80768995-G-C. GRCh37 (hg19) VCF-style: chr5-80064814-G-C.
Other names: c.2245G>C (NM_002439.3); short protein forms G749R.
Identifiers: ClinVar variation 645412 (VCV000645412.11), dbSNP rs1580035113, ClinGen allele CA360279792.